The following is an entry in ClinVar:

ClinVar aggregate classification (germline): Uncertain significance. Review status: criteria provided, single submitter (1 of 4 stars). 2 submissions from 2 submitters: Uncertain significance (1). 1 of the submissions does not count toward it. Last evaluated 2025-12-01.

Conditions:
Walker-Warburg congenital muscular dystrophy. Also called: Muscular dystrophy-dystroglycanopathy, type A; Walker-Warburg syndrome. Identifiers: Orphanet 899, MedGen C0265221, MONDO:0000171.
Cardiovascular phenotype. Identifiers: MedGen CN230736.

Submissions (2):

Ambry Genetics
Classification: Uncertain significance for Cardiovascular phenotype. Last evaluated: 2025-12-01. Review status: criteria provided, single submitter. Criteria: Ambry Variant Classification Scheme 2023. Collection method: clinical testing. Allele origin: germline.
Comment: The p.G39V variant (also known as c.116G>T), located in coding exon 2 of the FKTN gene, results from a G to T substitution at nucleotide position 116. The glycine at codon 39 is replaced by valine, an amino acid with dissimilar properties. This amino acid position is conserved. In addition, the in silico prediction for this alteration is inconclusive. Based on the available evidence, the clinical significance of this variant remains unclear.

Natera, Inc.
Classification: Uncertain significance for Walker-Warburg congenital muscular dystrophy. Last evaluated: 2025-02-17. Review status: no assertion criteria provided. Collection method: clinical testing. Allele origin: germline. Not counted in ClinVar's aggregate classification.

NM_001079802.2(FKTN):c.116G>T (p.Gly39Val)

Gene: FKTN (fukutin; plus strand). Cytogenetic location: 9q31.2.
Variant type: single nucleotide variant.
Coding change: c.116G>T on transcript NM_001079802.2 (MANE Select); coding-DNA position 116, G replaced by T.
Protein change: p.Gly39Val; replaces glycine 39 with valine.
Molecular consequence: missense variant. On other transcripts: 5 prime UTR variant (5), non-coding transcript variant (2).
Genome position (GRCh38, 1-based): chr9:105,596,608, G>T. VCF-style: chr9-105596608-G-T. GRCh37 (hg19) VCF-style: chr9-108358889-G-T.
Other names: c.116G>T, p.Gly39Val (NM_001198963.2, NM_001351496.2, NM_001351498.2 and 1 more transcripts); c.-52G>T (NM_001351497.2); c.-399G>T (NM_001351499.2, NM_001351500.2, NM_001351501.2 and 1 more transcripts); short protein forms G39V.
Identifiers: ClinVar variation 4068130 (VCV004068130.2).